The following is an entry in ClinVar:

ClinVar aggregate classification (germline): Uncertain significance. Review status: criteria provided, single submitter (1 of 4 stars). 2 submissions from 2 submitters: Uncertain significance (1). 1 of the submissions does not count toward it. Last evaluated 2022-06-20.

Conditions:
Carnitine palmitoyl transferase 1A deficiency. Also called: CPT deficiency, hepatic, type IA; Carnitine palmitoyltransferase 1A deficiency; Carnitine palmitoyltransferase type I deficiency; CPT I DEFICIENCY; CPT DEFICIENCY, HEPATIC, TYPE I. Identifiers: Orphanet 156, MedGen C1829703, MONDO:0009705, OMIM 255120.

Allele frequency attached by ClinVar (database versions not stated): gnomAD exomes below 0.00001; ExAC 0.00001; gnomAD 0.00001; TOPMed 0.00001.
gnomAD v4.1: 6 of 1,614,006 alleles (0.00037%); highest among the groups gnomAD compares: Admixed American, 0.0017%; no homozygotes.

Submissions (2):

Labcorp Genetics (formerly Invitae), Labcorp
Classification: Uncertain significance for Carnitine palmitoyl transferase 1A deficiency. Last evaluated: 2022-06-20. Review status: criteria provided, single submitter. Criteria: Invitae Variant Classification Sherloc (09022015). Collection method: clinical testing. Allele origin: germline.
Comment: This sequence change replaces glycine, which is neutral and non-polar, with serine, which is neutral and polar, at codon 107 of the CPT1A protein (p.Gly107Ser). This variant is present in population databases (rs773497434, gnomAD 0.0009%). This variant has not been reported in the literature in individuals affected with CPT1A-related conditions. ClinVar contains an entry for this variant (Variation ID: 575096). Algorithms developed to predict the effect of missense changes on protein structure and function output the following: SIFT: "Tolerated"; PolyPhen-2: "Benign"; Align-GVGD: "Class C0". The serine amino acid residue is found in multiple mammalian species, which suggests that this missense change does not adversely affect protein function. In summary, the available evidence is currently insufficient to determine the role of this variant in disease. Therefore, it has been classified as a Variant of Uncertain Significance.

Natera, Inc.
Classification: Uncertain significance for Carnitine palmitoyltransferase type I deficiency. Last evaluated: 2020-09-03. Review status: no assertion criteria provided. Collection method: clinical testing. Allele origin: germline. Not counted in ClinVar's aggregate classification.

NM_001876.4(CPT1A):c.319G>A (p.Gly107Ser)

Gene: CPT1A (carnitine palmitoyltransferase 1A; minus strand). Cytogenetic location: 11q13.3.
Variant type: single nucleotide variant.
Coding change: c.319G>A on transcript NM_001876.4 (MANE Select); coding-DNA position 319, G replaced by A.
Protein change: p.Gly107Ser; replaces glycine 107 with serine.
Molecular consequence: missense variant.
Genome position (GRCh38, 1-based): chr11:68,807,601, C>T on the plus strand (G>A on the coding strand, the complement: CPT1A is on the minus strand). VCF-style: chr11-68807601-C-T. GRCh37 (hg19) VCF-style: chr11-68575069-C-T.
Other names: c.319G>A, p.Gly107Ser (NM_001031847.3); short protein forms G107S.
Identifiers: ClinVar variation 575096 (VCV000575096.10), dbSNP rs773497434, ClinGen allele CA6152706.